The following is an entry in ClinVar:

NM_033118.4(MYLK2):c.74C>T (p.Thr25Ile)

Gene: MYLK2 (myosin light chain kinase 2; plus strand). Cytogenetic location: 20q11.21.
Variant type: single nucleotide variant.
Coding change: c.74C>T on transcript NM_033118.4 (MANE Select); coding-DNA position 74, C replaced by T.
Protein change: p.Thr25Ile; replaces threonine 25 with isoleucine.
Molecular consequence: missense variant.
Genome position (GRCh38, 1-based): chr20:31,820,147, C>T. VCF-style: chr20-31820147-C-T. GRCh37 (hg19) VCF-style: chr20-30407950-C-T.
Other names: short protein forms T25I.
Identifiers: ClinVar variation 651125 (VCV000651125.8), dbSNP rs1183127391, ClinGen allele CA408524870.
Genomic context (GRCh38, chr20:31,820,147, plus strand): 5'-GGAGGGTGGATCCTGATGGGTGTCTCACCTCCTCTGCAGACAAGGCACCTAAAGGTCCCA[C>T]AGGTGAAAGACCCCTGGCTGCAGGGAAAGACCCTGGCCCCCCAGACCCAAAGAAAGCTCC-3'
Protein context (NP_149109.1, residues 15-35): PSTDKAPKGP[Thr25Ile]GERPLAAGKD

ClinVar aggregate classification (germline): Uncertain significance (1 of 4 stars; one submission).

Conditions:
Hypertrophic cardiomyopathy 1 (CMH1). Also called: Familial hypertrophic cardiomyopathy 1; MYH7-Related Familial Hypertrophic Cardiomyopathy. Identifiers: MedGen C3495498, MONDO:0008647, OMIM 192600.

Allele frequency attached by ClinVar (database versions not stated): TOPMed 0.00001.

Submission:

Labcorp Genetics (formerly Invitae), Labcorp
Classification: Uncertain significance for Hypertrophic cardiomyopathy 1. Last evaluated: 2018-11-20. Review status: criteria provided, single submitter. Criteria: Invitae Variant Classification Sherloc (09022015). Collection method: clinical testing. Allele origin: germline.
Comment: This sequence change replaces threonine with isoleucine at codon 25 of the MYLK2 protein (p.Thr25Ile). The threonine residue is weakly conserved and there is a moderate physicochemical difference between threonine and isoleucine. In summary, the available evidence is currently insufficient to determine the role of this variant in disease. Therefore, it has been classified as a Variant of Uncertain Significance. Algorithms developed to predict the effect of missense changes on protein structure and function (SIFT, PolyPhen-2, Align-GVGD) all suggest that this variant is likely to be tolerated, but these predictions have not been confirmed by published functional studies and their clinical significance is uncertain. This variant has not been reported in the literature in individuals with MYLK2-related disease. This variant is not present in population databases (ExAC no frequency).